The following is an entry in ClinVar:

NM_001369.3(DNAH5):c.909A>C (p.Gln303His)

Gene: DNAH5 (dynein axonemal heavy chain 5; minus strand). Cytogenetic location: 5p15.2.
Variant type: single nucleotide variant.
Coding change: c.909A>C on transcript NM_001369.3 (MANE Select); coding-DNA position 909, A replaced by C.
Protein change: p.Gln303His; replaces glutamine 303 with histidine.
Molecular consequence: missense variant.
Genome position (GRCh38, 1-based): chr5:13,919,242, T>G on the plus strand (A>C on the coding strand, the complement: DNAH5 is on the minus strand). VCF-style: chr5-13919242-T-G. GRCh37 (hg19) VCF-style: chr5-13919351-T-G.
Other names: short protein forms Q303H.
Identifiers: ClinVar variation 2721471 (VCV002721471.1), dbSNP rs1321850022, ClinGen allele CA359218888.

ClinVar aggregate classification (germline): Uncertain significance (1 of 4 stars; one submission).

Conditions:
Primary ciliary dyskinesia. Also called: Ciliary dyskinesia. Identifiers: Orphanet 244, MedGen C0008780, MONDO:0016575, HP:0012265.

Allele frequency attached by ClinVar (database versions not stated): gnomAD exomes below 0.00001; TOPMed 0.00001.
gnomAD v4.1: 3 of 1,614,152 alleles (0.00019%); highest among the groups gnomAD compares: Admixed American, 0.0033%; no homozygotes.

Submission:

Labcorp Genetics (formerly Invitae), Labcorp
Classification: Uncertain significance for Primary ciliary dyskinesia. Last evaluated: 2023-08-01. Review status: criteria provided, single submitter. Criteria: Invitae Variant Classification Sherloc (09022015). Collection method: clinical testing. Allele origin: germline.
Comment: In summary, the available evidence is currently insufficient to determine the role of this variant in disease. Therefore, it has been classified as a Variant of Uncertain Significance. Advanced modeling of protein sequence and biophysical properties (such as structural, functional, and spatial information, amino acid conservation, physicochemical variation, residue mobility, and thermodynamic stability) performed at Invitae indicates that this missense variant is not expected to disrupt DNAH5 protein function. This variant has not been reported in the literature in individuals affected with DNAH5-related conditions. This variant is not present in population databases (gnomAD no frequency). This sequence change replaces glutamine, which is neutral and polar, with histidine, which is basic and polar, at codon 303 of the DNAH5 protein (p.Gln303His).